The following is an entry in ClinVar:

NM_001849.4(COL6A2):c.2141TCA[1] (p.Ile715del)

Gene: COL6A2 (collagen type VI alpha 2 chain; plus strand). Cytogenetic location: 21q22.3.
Variant type: Microsatellite.
Coding change: c.2141TCA[1] on transcript NM_001849.4 (MANE Select); one copy of the 3-base unit TCA starting at c.2141; the reference has two copies in a row; one copy, 3 bases deleted.
Protein change: p.Ile715del; deletes isoleucine 715.
Molecular consequence: inframe deletion.
Genome position (GRCh38, 1-based): chr21:46,125,959-46,125,961, TCA deleted; deleting any 3 consecutive bases within chr21:46,125,956-46,125,961 gives the same sequence; the position shown is the placement nearest the transcript's 3' end. VCF-style (leftmost placement, unchanged base first): chr21-46125955-CTCA-C. GRCh37 (hg19) VCF-style: chr21-47545869-CTCA-C.
Other names: c.2141TCA[1], p.Ile715del (NM_058174.3, NM_058175.3); short protein forms I715del.
Identifiers: ClinVar variation 2571151 (VCV002571151.30), dbSNP rs1568940363, ClinGen allele CA513170420.

ClinVar aggregate classification (germline): Uncertain significance. Review status: criteria provided, multiple submitters, no conflicts (2 of 4 stars). 2 submissions from 2 submitters: Uncertain significance (2). Last evaluated 2024-04-04.

Conditions:
Bethlem myopathy 1A. Also called: MYOPATHY, BENIGN CONGENITAL, WITH CONTRACTURES; Bethlem myopathy 1; Bethlem Muscular Dystrophy. Identifiers: Orphanet 610, MedGen CN029274, MONDO:0024530, OMIM 158810.

Submissions (2):

Labcorp Genetics (formerly Invitae), Labcorp
Classification: Uncertain significance for Bethlem myopathy 1A. Last evaluated: 2024-04-04. Review status: criteria provided, single submitter. Criteria: Invitae Variant Classification Sherloc (09022015). Collection method: clinical testing. Allele origin: germline.
Comment: This variant, c.2144_2146del, results in the deletion of 1 amino acid(s) of the COL6A2 protein (p.Ile715del), but otherwise preserves the integrity of the reading frame. This variant is not present in population databases (gnomAD no frequency). This variant has not been reported in the literature in individuals affected with COL6A2-related conditions. Experimental studies and prediction algorithms are not available or were not evaluated, and the functional significance of this variant is currently unknown. In summary, the available evidence is currently insufficient to determine the role of this variant in disease. Therefore, it has been classified as a Variant of Uncertain Significance.

CeGaT Center for Human Genetics Tuebingen
Classification: Uncertain significance. Last evaluated: 2023-05-01. Review status: criteria provided, single submitter. Criteria: CeGaT Center For Human Genetics Tuebingen Variant Classification Criteria Version 2. Collection method: clinical testing. Allele origin: germline. Affected: yes. Observed: 1 variant allele.
Comment: COL6A2: PM2, PM4